The following is an entry in ClinVar:

ClinVar aggregate classification (germline): Conflicting classifications of pathogenicity. Review status: criteria provided, conflicting classifications (1 of 4 stars). 9 submissions from 8 submitters: Uncertain significance (2); Benign (2); Likely benign (5). Last evaluated 2026-04-01.

Conditions:
Autosomal recessive ataxia, Beauce type. Also called: ATAXIA, RECESSIVE, OF BEAUCE; SYNE1-Related Autosomal Recessive Cerebellar Ataxia; Spinocerebellar ataxia, autosomal recessive 8; SYNE1 Deficiency. Identifiers: Orphanet 88644, MedGen C1853116, MONDO:0012549, OMIM 610743.
Emery-Dreifuss muscular dystrophy 4, autosomal dominant (EDMD4). Also called: EMERY-DREIFUSS MUSCULAR DYSTROPHY 4 WITH VARIABLE FEATURES. Identifiers: Orphanet 261, MedGen C2751807, MONDO:0013071, OMIM 612998.

Allele frequency attached by ClinVar (database versions not stated): 1000 Genomes Project 0.00020; 1000 Genomes Project 30x 0.00031; gnomAD exomes 0.00075 and 0.00151; ExAC 0.00082; gnomAD 0.00087 and 0.00089; TOPMed 0.00089; ESP Exome Variant Server 0.00108.
gnomAD v4.1: 2,316 of 1,613,734 alleles (0.14%); highest among the groups gnomAD compares: Non-Finnish European, 0.19%; 3 homozygotes.

Submissions (9):

CeGaT Center for Human Genetics Tuebingen
Classification: Likely benign. Last evaluated: 2026-04-01. Review status: criteria provided, single submitter. Criteria: CeGaT Center For Human Genetics Tuebingen Variant Classification Criteria Version 2. Collection method: clinical testing. Allele origin: germline. Affected: yes. Observed: 6 variant alleles.
Comment: SYNE1: BP4, BP7

Labcorp Genetics (formerly Invitae), Labcorp
Classification: Likely benign for Emery-Dreifuss muscular dystrophy 4, autosomal dominant; Autosomal recessive ataxia, Beauce type. Last evaluated: 2026-01-15. Review status: criteria provided, single submitter. Criteria: Invitae Variant Classification Sherloc (09022015). Collection method: clinical testing. Allele origin: germline.

Blueprint Genetics
Classification: Likely benign. Last evaluated: 2024-11-26. Review status: criteria provided, single submitter. Criteria: ACMG Guidelines, 2015. Collection method: clinical testing. Allele origin: germline.

Athena Diagnostics
Classification: Benign. Last evaluated: 2024-06-10. Review status: criteria provided, single submitter. Criteria: Athena Diagnostics Criteria. Collection method: clinical testing. Allele origin: unknown.

GeneDx
Classification: Likely benign. Last evaluated: 2020-06-17. Review status: criteria provided, single submitter. Criteria: GeneDx Variant Classification Process June 2021. Collection method: clinical testing. Allele origin: germline. Affected: yes.

ARUP Laboratories, Molecular Genetics and Genomics, ARUP Laboratories
Classification: Likely benign. Last evaluated: 2019-11-26. Review status: criteria provided, single submitter. Criteria: ARUP Molecular Germline Variant Investigation Process. Collection method: clinical testing. Allele origin: germline.

Eurofins Ntd Llc (ga)
Classification: Uncertain significance. Last evaluated: 2018-03-29. Review status: criteria provided, single submitter. Criteria: EGL ClinVar v180209 classification definitions. Collection method: clinical testing. Allele origin: germline. Observed: 17 variant alleles, 17 heterozygotes.

Illumina Laboratory Services, Illumina
Classification: Benign for Emery-Dreifuss muscular dystrophy 4, autosomal dominant. Last evaluated: 2018-01-13. Review status: criteria provided, single submitter. Criteria: ICSL Variant Classification Criteria 13 December 2019. Collection method: clinical testing. Allele origin: germline.
Comment: This variant was observed in the ICSL laboratory as part of a predisposition screen in an ostensibly healthy population. It had not been previously curated by ICSL or reported in the Human Gene Mutation Database (HGMD: prior to June 1st, 2018), and was therefore a candidate for classification through an automated scoring system. Utilizing variant allele frequency, disease prevalence and penetrance estimates, and inheritance mode, an automated score was calculated to assess if this variant is too frequent to cause the disease. Based on the score and internal cut-off values, a variant classified as benign is not then subjected to further curation. The score for this variant resulted in a classification of benign for this disease.

Illumina Laboratory Services, Illumina
Classification: Uncertain significance for Autosomal recessive ataxia, Beauce type. Last evaluated: 2018-01-13. Review status: criteria provided, single submitter. Criteria: ICSL Variant Classification Criteria 13 December 2019. Collection method: clinical testing. Allele origin: germline.

NM_182961.4(SYNE1):c.22554G>A (p.Gly7518=)

Gene: SYNE1 (spectrin repeat containing nuclear envelope protein 1; minus strand). Cytogenetic location: 6q25.2.
Variant type: single nucleotide variant.
Coding change: c.22554G>A on transcript NM_182961.4 (MANE Select); coding-DNA position 22554, G replaced by A.
Protein change: p.Gly7518=; no amino-acid change (glycine 7518 retained).
Molecular consequence: synonymous variant.
Genome position (GRCh38, 1-based): chr6:152,211,529, C>T on the plus strand (G>A on the coding strand, the complement: SYNE1 is on the minus strand). VCF-style: chr6-152211529-C-T. GRCh37 (hg19) VCF-style: chr6-152532664-C-T.
Other names: c.22341G>A, p.Gly7447= (NM_033071.5).
Identifiers: ClinVar variation 282888 (VCV000282888.94), dbSNP rs148240825, ClinGen allele CA4053848.